The following is an entry in ClinVar:

NM_004655.4(AXIN2):c.810A>T (p.Gly270=)

Gene: AXIN2 (axin 2; minus strand). Cytogenetic location: 17q24.1.
Variant type: single nucleotide variant.
Coding change: c.810A>T on transcript NM_004655.4 (MANE Select); coding-DNA position 810, A replaced by T.
Protein change: p.Gly270=; no amino-acid change (glycine 270 retained).
Molecular consequence: synonymous variant.
Genome position (GRCh38, 1-based): chr17:65,557,811, T>A on the plus strand (A>T on the coding strand, the complement: AXIN2 is on the minus strand). VCF-style: chr17-65557811-T-A. GRCh37 (hg19) VCF-style: chr17-63553929-T-A.
Other names: c.810A>T, p.Gly270= (NM_001363813.1).
Identifiers: ClinVar variation 1762026 (VCV001762026.3), dbSNP rs2144581745, ClinGen allele CA501476773.

ClinVar aggregate classification (germline): Benign/Likely benign. Review status: criteria provided, multiple submitters, no conflicts (2 of 4 stars). 2 submissions from 2 submitters: Benign (1); Likely benign (1). Last evaluated 2024-06-27.

Conditions:
Hereditary cancer-predisposing syndrome. Also called: Neoplastic Syndromes, Hereditary; Tumor predisposition; Hereditary Cancer Syndrome; Hereditary neoplastic syndrome. Identifiers: Orphanet 140162, MedGen C0027672, MeSH D009386, MONDO:0015356.
Oligodontia-cancer predisposition syndrome. Also called: TOOTH AGENESIS-COLORECTAL CANCER SYNDROME. Identifiers: Orphanet 300576, MedGen C1837750, MONDO:0012075, OMIM 608615. Disease mechanism: loss of function.

Submissions (2):

Myriad Genetics, Inc.
Classification: Benign for Oligodontia-cancer predisposition syndrome. Last evaluated: 2024-06-27. Review status: criteria provided, single submitter. Criteria: Myriad Autosomal Dominant, Autosomal Recessive and X-Linked Classification Criteria (2023). Collection method: clinical testing. Allele origin: unknown.
Comment: This variant is considered benign. This variant is a silent/synonymous amino acid change and it is not expected to impact splicing.

Ambry Genetics
Classification: Likely benign for Hereditary cancer-predisposing syndrome. Last evaluated: 2020-10-20. Review status: criteria provided, single submitter. Criteria: Ambry Variant Classification Scheme 2023. Collection method: clinical testing. Allele origin: germline.